The following is an entry in ClinVar:

NM_001079872.2(CUL4B):c.94C>A (p.Pro32Thr)

Genes: CUL4B (cullin 4B; minus strand), LOC113845788 (Sharpr-MPRA regulatory region 11856; plus strand). Cytogenetic location: Xq24.
Variant type: single nucleotide variant.
Coding change: c.94C>A on transcript NM_001079872.2 (MANE Select); coding-DNA position 94, C replaced by A.
Protein change: p.Pro32Thr; replaces proline 32 with threonine.
Molecular consequence: missense variant.
Genome position (GRCh38, 1-based): chrX:120,560,545, G>T on the plus strand (C>A on the coding strand, the complement: CUL4B is on the minus strand). VCF-style: chrX-120560545-G-T. GRCh37 (hg19) VCF-style: chrX-119694400-G-T.
Other names: c.109C>A, p.Pro37Thr (NM_001330624.2); c.148C>A, p.Pro50Thr (NM_003588.4); short protein forms P32T, P37T, P50T.
Identifiers: ClinVar variation 1710583 (VCV001710583.2), dbSNP rs2521201093, ClinGen allele CA414206177.
Genomic context (GRCh38, chrX:120,560,545, plus strand): 5'-TACTGTTACTGCTGCTACTGCTGCTGCTGTTTAACTTTCTCTTCTTGGCAGAGGTGGGCG[G>T]AGTGGTGCTGGTATTACCATCAGTGGCAGATCTGACCTCCTGAGCAGCAGCAGCAGCTGA-3'
Protein context (NP_001073341.1, residues 22-42): SATDGNTSTT[Pro32Thr]PTSAKKRKLN

ClinVar aggregate classification (germline): Uncertain significance (1 of 4 stars; one submission).

Submission:

GeneDx
Classification: Uncertain significance. Last evaluated: 2022-04-15. Review status: criteria provided, single submitter. Criteria: GeneDx Variant Classification Process June 2021. Collection method: clinical testing. Allele origin: germline. Affected: yes.
Comment: Not observed at significant frequency in large population cohorts (gnomAD); In silico analysis supports that this missense variant does not alter protein structure/function; Has not been previously published as pathogenic or benign to our knowledge